The following is an entry in ClinVar:

ClinVar aggregate classification (germline): Uncertain significance (1 of 4 stars; one submission).

Allele frequency attached by ClinVar (database versions not stated): gnomAD exomes below 0.00001; gnomAD 0.00001; ExAC 0.00002.
gnomAD v4.1: 6 of 1,611,624 alleles (0.00037%); highest among the groups gnomAD compares: Non-Finnish European, 0.00051%; no homozygotes.

Submission:

Labcorp Genetics (formerly Invitae), Labcorp
Classification: Uncertain significance. Last evaluated: 2023-10-06. Review status: criteria provided, single submitter. Criteria: Invitae Variant Classification Sherloc (09022015). Collection method: clinical testing. Allele origin: germline.
Comment: This sequence change replaces leucine, which is neutral and non-polar, with serine, which is neutral and polar, at codon 1494 of the HMCN1 protein (p.Leu1494Ser). This variant is present in population databases (rs749547466, gnomAD 0.0009%). This variant has not been reported in the literature in individuals affected with HMCN1-related conditions. ClinVar contains an entry for this variant (Variation ID: 1921072). An algorithm developed to predict the effect of missense changes on protein structure and function (PolyPhen-2) suggests that this variant is likely to be disruptive. In summary, the available evidence is currently insufficient to determine the role of this variant in disease. Therefore, it has been classified as a Variant of Uncertain Significance.

NM_031935.3(HMCN1):c.4481T>C (p.Leu1494Ser)

Gene: HMCN1 (hemicentin 1; plus strand). Cytogenetic location: 1q31.1.
Variant type: single nucleotide variant.
Coding change: c.4481T>C on transcript NM_031935.3 (MANE Select); coding-DNA position 4481, T replaced by C.
Protein change: p.Leu1494Ser; replaces leucine 1494 with serine.
Molecular consequence: missense variant.
Genome position (GRCh38, 1-based): chr1:186,007,133, T>C. VCF-style: chr1-186007133-T-C. GRCh37 (hg19) VCF-style: chr1-185976265-T-C.
Other names: short protein forms L1494S.
Identifiers: ClinVar variation 1921072 (VCV001921072.5), dbSNP rs749547466, ClinGen allele CA1292035.